The following is an entry in ClinVar:

ClinVar aggregate classification (germline): Likely pathogenic (1 of 4 stars; one submission).

Conditions:
Familial cancer of breast. Also called: hereditary breast carcinoma; BREAST CANCER, FAMILIAL; Hereditary breast cancer. Identifiers: Orphanet 227535, MedGen C0346153, MONDO:0016419, OMIM 114480. Disease mechanism: loss of function.

Submission:

Myriad Genetics, Inc.
Classification: Likely pathogenic for Familial cancer of breast. Last evaluated: 2024-01-29. Review status: criteria provided, single submitter. Criteria: Myriad Autosomal Dominant, Autosomal Recessive and X-Linked Classification Criteria (2023). Collection method: clinical testing. Allele origin: unknown.
Comment: This variant is considered likely pathogenic. This variant occurs within a consensus splice junction and is predicted to result in abnormal mRNA splicing of either an out-of-frame exon or an in-frame exon necessary for protein stability and/or normal function.

NM_000051.4(ATM):c.6347+1G>T

Genes: ATM (ATM serine/threonine kinase; plus strand), C11orf65 (chromosome 11 open reading frame 65; minus strand). Cytogenetic location: 11q22.3.
Variant type: single nucleotide variant.
Coding change: c.6347+1G>T on transcript NM_000051.4 (MANE Select); the canonical splice donor site of the intron after coding-DNA position 6347, G replaced by T.
Molecular consequence: splice donor variant. On other transcripts: intron variant (2).
Genome position (GRCh38, 1-based): chr11:108,317,522, G>T. VCF-style: chr11-108317522-G-T. GRCh37 (hg19) VCF-style: chr11-108188249-G-T.
Other names: c.6347+1G>T (NM_001351834.2); c.641-8451C>A (NM_001330368.2); c.*39-8451C>A (NM_001351110.2).
Identifiers: ClinVar variation 3148296 (VCV003148296.1), dbSNP rs1057517120, ClinGen allele CA382552359.